The following is an entry in ClinVar:

ClinVar aggregate classification (germline): Uncertain significance (1 of 4 stars; one submission).

gnomAD v4.1: 3 of 1,611,110 alleles (0.00019%); highest among the groups gnomAD compares: Non-Finnish European, 0.00025%; no homozygotes.

Submission:

GeneDx
Classification: Uncertain significance. Last evaluated: 2020-05-19. Review status: criteria provided, single submitter. Criteria: GeneDx Variant Classification Process June 2021. Collection method: clinical testing. Allele origin: germline. Affected: yes.
Comment: Not observed in large population cohorts (Lek et al., 2016); In silico analysis supports that this missense variant has a deleterious effect on protein structure/function; Has not been previously published as pathogenic or benign to our knowledge

NM_031418.4(ANO3):c.2459G>A (p.Gly820Asp)

Gene: ANO3 (anoctamin 3; plus strand). Cytogenetic location: 11p14.2.
Variant type: single nucleotide variant.
Coding change: c.2459G>A on transcript NM_031418.4 (MANE Select); coding-DNA position 2459, G replaced by A.
Protein change: p.Gly820Asp; replaces glycine 820 with aspartic acid.
Molecular consequence: missense variant.
Genome position (GRCh38, 1-based): chr11:26,647,739, G>A. VCF-style: chr11-26647739-G-A. GRCh37 (hg19) VCF-style: chr11-26669286-G-A.
Other names: c.2642G>A, p.Gly881Asp (NM_001313726.2); c.2021G>A, p.Gly674Asp (NM_001313727.2); short protein forms G674D, G820D, G881D.
Identifiers: ClinVar variation 1312650 (VCV001312650.2), dbSNP rs1853395441, ClinGen allele CA379939283.